The following is an entry in ClinVar:

NM_000209.4(PDX1):c.394G>A (p.Gly132Ser)

Gene: PDX1 (pancreatic and duodenal homeobox 1; plus strand). Cytogenetic location: 13q12.2.
Variant type: single nucleotide variant.
Coding change: c.394G>A on transcript NM_000209.4 (MANE Select); coding-DNA position 394, G replaced by A.
Protein change: p.Gly132Ser; replaces glycine 132 with serine.
Molecular consequence: missense variant.
Genome position (GRCh38, 1-based): chr13:27,920,532, G>A. VCF-style: chr13-27920532-G-A. GRCh37 (hg19) VCF-style: chr13-28494669-G-A.
Other names: short protein forms G132S.
Identifiers: ClinVar variation 3575844 (VCV003575844.2).

ClinVar aggregate classification (germline): Uncertain significance. Review status: criteria provided, multiple submitters, no conflicts (2 of 4 stars). 2 submissions from 2 submitters: Uncertain significance (2). Last evaluated 2025-08-26.

Conditions:
Type 2 diabetes mellitus. Also called: Type II diabetes mellitus. Identifiers: MedGen C0011860, MeSH D003924, MONDO:0005148, OMIM 125853, HP:0005978.
Maturity-onset diabetes of the young type 4 (MODY4). Also called: Maturity-onset diabetes of the young, type IV; MODY, type IV. Identifiers: Orphanet 552, MedGen C1833382, MONDO:0011667, OMIM 606392.
Pancreatic agenesis 1 (PAGEN1). Also called: PANCREATIC HYPOPLASIA, CONGENITAL. Identifiers: Orphanet 2805, MedGen C3891828, MONDO:0024547, OMIM 260370.

gnomAD v4.1: 36 of 1,613,070 alleles (0.0022%); highest among the groups gnomAD compares: Non-Finnish European, 0.0029%; no homozygotes.

Submissions (2):

Labcorp Genetics (formerly Invitae), Labcorp
Classification: Uncertain significance. Last evaluated: 2025-08-26. Review status: criteria provided, single submitter. Criteria: Invitae Variant Classification Sherloc (09022015). Collection method: clinical testing. Allele origin: germline.
Comment: This sequence change replaces glycine, which is neutral and non-polar, with serine, which is neutral and polar, at codon 132 of the PDX1 protein (p.Gly132Ser). This variant is present in population databases (rs752168064, gnomAD 0.003%). This variant has not been reported in the literature in individuals affected with PDX1-related conditions. ClinVar contains an entry for this variant (Variation ID: 3575844). Invitae Evidence Modeling of protein sequence and biophysical properties (such as structural, functional, and spatial information, amino acid conservation, physicochemical variation, residue mobility, and thermodynamic stability) indicates that this missense variant is not expected to disrupt PDX1 protein function with a negative predictive value of 80%. In summary, the available evidence is currently insufficient to determine the role of this variant in disease. Therefore, it has been classified as a Variant of Uncertain Significance.

Fulgent Genetics
Classification: Uncertain significance for Type 2 diabetes mellitus; Pancreatic agenesis 1; Maturity-onset diabetes of the young type 4. Last evaluated: 2024-01-24. Review status: criteria provided, single submitter. Criteria: ACMG Guidelines, 2015. Collection method: clinical testing. Allele origin: germline.